The following is an entry in ClinVar:

ClinVar aggregate classification (germline): Uncertain significance (1 of 4 stars; one submission).

Conditions:
Familial adenomatous polyposis 1 (FAP1). Also called: FAMILIAL ADENOMATOUS POLYPOSIS 1, ATTENUATED; POLYPOSIS, ADENOMATOUS INTESTINAL. Identifiers: MedGen C2713442, MONDO:0021056, OMIM 175100. Disease mechanism: loss of function.

Submission:

Labcorp Genetics (formerly Invitae), Labcorp
Classification: Uncertain significance for Familial adenomatous polyposis 1. Last evaluated: 2018-08-07. Review status: criteria provided, single submitter. Criteria: Invitae Variant Classification Sherloc (09022015). Collection method: clinical testing. Allele origin: germline.
Comment: This sequence change replaces glutamine with histidine at codon 1260 of the APC protein (p.Gln1260His). The glutamine residue is highly conserved and there is a small physicochemical difference between glutamine and histidine. In summary, the available evidence is currently insufficient to determine the role of this variant in disease. Therefore, it has been classified as a Variant of Uncertain Significance. Algorithms developed to predict the effect of missense changes on protein structure and function are either unavailable or do not agree on the potential impact of this missense change (SIFT: "Tolerated"; PolyPhen-2: "Probably Damaging"; Align-GVGD: "Class C0"). This variant has not been reported in the literature in individuals with APC-related disease. This variant is not present in population databases (ExAC no frequency).

NM_000038.6(APC):c.3780G>T (p.Gln1260His)

Gene: APC (APC regulator of Wnt signaling pathway; plus strand). Cytogenetic location: 5q22.2.
Variant type: single nucleotide variant.
Coding change: c.3780G>T on transcript NM_000038.6 (MANE Select); coding-DNA position 3780, G replaced by T.
Protein change: p.Gln1260His; replaces glutamine 1260 with histidine.
Molecular consequence: missense variant.
Genome position (GRCh38, 1-based): chr5:112,839,374, G>T. VCF-style: chr5-112839374-G-T. GRCh37 (hg19) VCF-style: chr5-112175071-G-T.
Other names: c.3780G>T, p.Gln1260His (NM_001127510.3, NM_001354895.2); c.3726G>T, p.Gln1242His (NM_001127511.3); c.3834G>T, p.Gln1278His (NM_001354896.2); c.3810G>T, p.Gln1270His (NM_001354897.2); c.3705G>T, p.Gln1235His (NM_001354898.2); c.3696G>T, p.Gln1232His (NM_001354899.2); c.3657G>T, p.Gln1219His (NM_001354900.2); c.3603G>T, p.Gln1201His (NM_001354901.2); and 5 more; short protein forms Q1219H, Q1232H, Q1270H, Q1100H, Q1134H, Q1235H, Q1242H, Q1260H.
Identifiers: ClinVar variation 655330 (VCV000655330.10), dbSNP rs763668164, ClinGen allele CA16029623.